The following is an entry in ClinVar:

NM_000057.4(BLM):c.3481A>G (p.Ile1161Val)

Gene: BLM (BLM RecQ like helicase; plus strand). Cytogenetic location: 15q26.1.
Variant type: single nucleotide variant.
Coding change: c.3481A>G on transcript NM_000057.4 (MANE Select); coding-DNA position 3481, A replaced by G.
Protein change: p.Ile1161Val; replaces isoleucine 1161 with valine.
Molecular consequence: missense variant. On other transcripts: intron variant (1).
Genome position (GRCh38, 1-based): chr15:90,803,643, A>G. VCF-style: chr15-90803643-A-G. GRCh37 (hg19) VCF-style: chr15-91346873-A-G.
Other names: c.3481A>G, p.Ile1161Val (NM_001287246.2); c.2356A>G, p.Ile786Val (NM_001287248.2); c.3358+5306A>G (NM_001287247.2); short protein forms I1161V, I786V.
Identifiers: ClinVar variation 860563 (VCV000860563.10), dbSNP rs1897217586, ClinGen allele CA393847695.
Genomic context (GRCh38, chr15:90,803,643, plus strand): 5'-AATGCCGAAAGACTTTTTAAAAAGCTGATACTTGACAAGATTTTGGATGAAGACTTATAT[A>G]TCAATGCCAATGACCAGGCGATCGCTTATGTGATGCTCGGAAATAAAGCCCAAACTGTAC-3'
Protein context (NP_000048.1, residues 1151-1171): LDKILDEDLY[Ile1161Val]NANDQAIAYV

ClinVar aggregate classification (germline): Uncertain significance. Review status: criteria provided, multiple submitters, no conflicts (2 of 4 stars). 2 submissions from 2 submitters: Uncertain significance (2). Last evaluated 2025-06-20.

Conditions:
Hereditary cancer-predisposing syndrome. Also called: Tumor predisposition; Hereditary neoplastic syndrome; Neoplastic Syndromes, Hereditary; Hereditary Cancer Syndrome. Identifiers: Orphanet 140162, MedGen C0027672, MeSH D009386, MONDO:0015356.
Bloom syndrome (BLM). Also called: Bloom-Torre-Machacek syndrome. Identifiers: Orphanet 125, MedGen C0005859, MONDO:0008876, OMIM 210900.

gnomAD v4.1: 1 of 1,614,204 alleles (0.000062%); no homozygotes.

Submissions (2):

Ambry Genetics
Classification: Uncertain significance for Hereditary cancer-predisposing syndrome. Last evaluated: 2025-06-20. Review status: criteria provided, single submitter. Criteria: Ambry Variant Classification Scheme 2023. Collection method: clinical testing. Allele origin: germline.
Comment: The p.I1161V variant (also known as c.3481A>G), located in coding exon 17 of the BLM gene, results from an A to G substitution at nucleotide position 3481. The isoleucine at codon 1161 is replaced by valine, an amino acid with highly similar properties. This amino acid position is conserved. In addition, this alteration is predicted to be tolerated by in silico analysis. Since supporting evidence is limited at this time, the clinical significance of this alteration remains unclear.

Labcorp Genetics (formerly Invitae), Labcorp
Classification: Uncertain significance for Bloom syndrome. Last evaluated: 2024-09-10. Review status: criteria provided, single submitter. Criteria: Invitae Variant Classification Sherloc (09022015). Collection method: clinical testing. Allele origin: germline.
Comment: This sequence change replaces isoleucine, which is neutral and non-polar, with valine, which is neutral and non-polar, at codon 1161 of the BLM protein (p.Ile1161Val). This variant is not present in population databases (gnomAD no frequency). This variant has not been reported in the literature in individuals affected with BLM-related conditions. ClinVar contains an entry for this variant (Variation ID: 860563). Invitae Evidence Modeling of protein sequence and biophysical properties (such as structural, functional, and spatial information, amino acid conservation, physicochemical variation, residue mobility, and thermodynamic stability) indicates that this missense variant is not expected to disrupt BLM protein function with a negative predictive value of 80%. In summary, the available evidence is currently insufficient to determine the role of this variant in disease. Therefore, it has been classified as a Variant of Uncertain Significance.